The following is an entry in ClinVar:

ClinVar aggregate classification (germline): Uncertain significance. Review status: criteria provided, multiple submitters, no conflicts (2 of 4 stars). 3 submissions from 3 submitters: Uncertain significance (3). Last evaluated 2025-12-15.

Conditions:
Inborn genetic diseases. Identifiers: MedGen C0950123, MeSH D030342.
CHARGE syndrome (CHARGE). Also called: Hittner Hirsch Kreh syndrome; Coloboma, heart anomaly, choanal atresia, retardation, genital and ear anomalies; CHARGE association; Hall-Hittner syndrome; CHARGE ASSOCIATION--COLOBOMA, HEART ANOMALY, CHOANAL ATRESIA, RETARDATION, GENITAL AND EAR ANOMALIES. Identifiers: Orphanet 138, MedGen C0265354, MONDO:0008965.

gnomAD v4.1: 3 of 1,611,740 alleles (0.00019%); highest among the groups gnomAD compares: Non-Finnish European, 0.00025%; no homozygotes.

Submissions (3):

Ambry Genetics
Classification: Uncertain significance for Inborn genetic diseases. Last evaluated: 2025-12-15. Review status: criteria provided, single submitter. Criteria: Ambry Variant Classification Scheme 2023. Collection method: clinical testing. Allele origin: germline.
Comment: The c.7015A>G (p.M2339V) alteration is located in exon 33 (coding exon 32) of the CHD7 gene. This alteration results from a A to G substitution at nucleotide position 7015, causing the methionine (M) at amino acid position 2339 to be replaced by a valine (V). Based on data from gnomAD, the G allele has an overall frequency of <0.001% (1/244552) total alleles studied. The highest observed frequency was 0.001% (1/110842) of European (non-Finnish) alleles. Based on insufficient or conflicting evidence, the clinical significance of this alteration remains unclear.

Greenwood Genetic Center Diagnostic Laboratories, Greenwood Genetic Center
Classification: Uncertain significance. Last evaluated: 2021-08-31. Review status: criteria provided, single submitter. Criteria: ACMG Guidelines, 2015. Collection method: clinical testing. Allele origin: germline. Affected: yes.
Comment: BP4, PP2, PM2

Labcorp Genetics (formerly Invitae), Labcorp
Classification: Uncertain significance for CHARGE syndrome. Last evaluated: 2019-06-25. Review status: criteria provided, single submitter. Criteria: Invitae Variant Classification Sherloc (09022015). Collection method: clinical testing. Allele origin: germline.
Comment: Algorithms developed to predict the effect of sequence changes on RNA splicing suggest that this variant may create or strengthen a splice site, but this prediction has not been confirmed by published transcriptional studies. Algorithms developed to predict the effect of missense changes on protein structure and function output the following: SIFT: "Deleterious"; PolyPhen-2: "Benign"; Align-GVGD: "Class C0". The valine amino acid residue is found in multiple mammalian species, suggesting that this missense change does not adversely affect protein function. These predictions have not been confirmed by published functional studies and their clinical significance is uncertain. In summary, the available evidence is currently insufficient to determine the role of this variant in disease. Therefore, it has been classified as a Variant of Uncertain Significance. This sequence change replaces methionine with valine at codon 2339 of the CHD7 protein (p.Met2339Val). The methionine residue is highly conserved and there is a small physicochemical difference between methionine and valine. This variant is not present in population databases (ExAC no frequency). This variant has not been reported in the literature in individuals with CHD7-related disease.

NM_017780.4(CHD7):c.7015A>G (p.Met2339Val)

Gene: CHD7 (chromodomain helicase DNA binding protein 7; plus strand). Cytogenetic location: 8q12.2.
Variant type: single nucleotide variant.
Coding change: c.7015A>G on transcript NM_017780.4 (MANE Select); coding-DNA position 7015, A replaced by G.
Protein change: p.Met2339Val; replaces methionine 2339 with valine.
Molecular consequence: missense variant. On other transcripts: intron variant (1).
Genome position (GRCh38, 1-based): chr8:60,856,053, A>G. VCF-style: chr8-60856053-A-G. GRCh37 (hg19) VCF-style: chr8-61768612-A-G.
Other names: c.1717-6176A>G (NM_001316690.1); short protein forms M2339V.
Identifiers: ClinVar variation 580209 (VCV000580209.15), dbSNP rs1184188163, ClinGen allele CA371298428.
Genomic context (GRCh38, chr8:60,856,053, plus strand): 5'-CGCTTAGACAACATCTGTGAAGCAGTGTTGAAAGGCAAATGGCCAGTAAATAGGCGCCAG[A>G]TGTTTGATTTCCAAGGCCTCATCCCAGGTTACACACCCACCACAGTGGACAGCCCCTTGC-3'
Protein context (NP_060250.2, residues 2329-2349): KGKWPVNRRQ[Met2339Val]FDFQGLIPGY